The following is an entry in ClinVar:

NM_000210.4(ITGA6):c.2785A>G (p.Ser929Gly)

Genes: ITGA6 (integrin subunit alpha 6; plus strand), PDK1-AS1 (PDK1 and ITGA6 antisense RNA 1; minus strand). Cytogenetic location: 2q31.1.
Variant type: single nucleotide variant.
Coding change: c.2785A>G on transcript NM_000210.4 (MANE Select); coding-DNA position 2785, A replaced by G.
Protein change: p.Ser929Gly; replaces serine 929 with glycine.
Molecular consequence: missense variant.
Genome position (GRCh38, 1-based): chr2:172,491,227, A>G. VCF-style: chr2-172491227-A-G. GRCh37 (hg19) VCF-style: chr2-173355955-A-G.
Other names: c.2785A>G, p.Ser929Gly (NM_001079818.3); c.2428A>G, p.Ser810Gly (NM_001316306.2); c.2740A>G, p.Ser914Gly (NM_001365529.2, NM_001365530.2); c.2902A>G, p.Ser968Gly (NM_001394928.1); short protein forms S810G, S968G, S929G, S914G.
Identifiers: ClinVar variation 1939749 (VCV001939749.4), dbSNP rs776979348, ClinGen allele CA60689595.

ClinVar aggregate classification (germline): Uncertain significance. Review status: criteria provided, multiple submitters, no conflicts (2 of 4 stars). 2 submissions from 2 submitters: Uncertain significance (2). Last evaluated 2024-04-08.

Conditions:
Epidermolysis bullosa, junctional 6, with pyloric atresia. Also called: ITGA6-Related Epidermolysis Bullosa with Pyloric Atresia. Identifiers: MedGen C5676957, MONDO:0859233, OMIM 619817.

Allele frequency attached by ClinVar (database versions not stated): gnomAD 0.00001; gnomAD exomes 0.00001; TOPMed 0.00002.
gnomAD v4.1: 14 of 1,602,768 alleles (0.00087%); highest among the groups gnomAD compares: Admixed American, 0.005%; no homozygotes.

Submissions (2):

Fulgent Genetics
Classification: Uncertain significance for Epidermolysis bullosa, junctional 6, with pyloric atresia. Last evaluated: 2024-04-08. Review status: criteria provided, single submitter. Criteria: ACMG Guidelines, 2015. Collection method: clinical testing. Allele origin: germline.

Labcorp Genetics (formerly Invitae), Labcorp
Classification: Uncertain significance. Last evaluated: 2022-03-29. Review status: criteria provided, single submitter. Criteria: Invitae Variant Classification Sherloc (09022015). Collection method: clinical testing. Allele origin: germline.
Comment: In summary, the available evidence is currently insufficient to determine the role of this variant in disease. Therefore, it has been classified as a Variant of Uncertain Significance. Algorithms developed to predict the effect of missense changes on protein structure and function (SIFT, PolyPhen-2, Align-GVGD) all suggest that this variant is likely to be tolerated. This variant has not been reported in the literature in individuals affected with ITGA6-related conditions. This variant is present in population databases (rs776979348, gnomAD 0.006%). This sequence change replaces serine, which is neutral and polar, with glycine, which is neutral and non-polar, at codon 929 of the ITGA6 protein (p.Ser929Gly).